The following is an entry in ClinVar:

NM_016122.3(CEP83):c.2066A>G (p.Gln689Arg)

Gene: CEP83 (centrosomal protein 83; minus strand). Cytogenetic location: 12q22.
Variant type: single nucleotide variant.
Coding change: c.2066A>G on transcript NM_016122.3 (MANE Select); coding-DNA position 2066, A replaced by G.
Protein change: p.Gln689Arg; replaces glutamine 689 with arginine.
Molecular consequence: missense variant. On other transcripts: non-coding transcript variant (2).
Genome position (GRCh38, 1-based): chr12:94,308,853, T>C on the plus strand (A>G on the coding strand, the complement: CEP83 is on the minus strand). VCF-style: chr12-94308853-T-C. GRCh37 (hg19) VCF-style: chr12-94702629-T-C.
Other names: c.2066A>G, p.Gln689Arg (NM_001042399.2, NM_001346457.2, NM_001368037.1 and 1 more transcripts); c.1754A>G, p.Gln585Arg (NM_001346458.2, NM_001346459.2, NM_001368039.1 and 1 more transcripts); c.1841A>G, p.Gln614Arg (NM_001368041.1); short protein forms Q689R, Q585R, Q614R.
Identifiers: ClinVar variation 2115151 (VCV002115151.4), dbSNP rs1969371271, ClinGen allele CA386046023.

ClinVar aggregate classification (germline): Uncertain significance (1 of 4 stars; one submission).

Conditions:
Nephronophthisis 18 (NPHP18). Identifiers: Orphanet 655, MedGen C3890591, MONDO:0014374, OMIM 615862.

Allele frequency attached by ClinVar (database versions not stated): TOPMed below 0.00001; gnomAD 0.00001.
gnomAD v4.1: 5 of 1,612,882 alleles (0.00031%); highest among the groups gnomAD compares: Non-Finnish European, 0.00034%; no homozygotes.

Submission:

Labcorp Genetics (formerly Invitae), Labcorp
Classification: Uncertain significance for Nephronophthisis 18. Last evaluated: 2024-12-02. Review status: criteria provided, single submitter. Criteria: Invitae Variant Classification Sherloc (09022015). Collection method: clinical testing. Allele origin: germline.
Comment: This sequence change replaces glutamine, which is neutral and polar, with arginine, which is basic and polar, at codon 689 of the CEP83 protein (p.Gln689Arg). This variant is not present in population databases (gnomAD no frequency). This variant has not been reported in the literature in individuals affected with CEP83-related conditions. ClinVar contains an entry for this variant (Variation ID: 2115151). An algorithm developed to predict the effect of missense changes on protein structure and function (PolyPhen-2) suggests that this variant is likely to be disruptive. In summary, the available evidence is currently insufficient to determine the role of this variant in disease. Therefore, it has been classified as a Variant of Uncertain Significance.